The following is an entry in ClinVar:

ClinVar aggregate classification (germline): Benign/Likely benign. Review status: criteria provided, multiple submitters, no conflicts (2 of 4 stars). 6 submissions from 6 submitters: Benign (4); Likely benign (1). 1 of the submissions does not count toward it. Last evaluated 2026-02-04.

Allele frequency attached by ClinVar (database versions not stated): ESP Exome Variant Server 0.26549; TOPMed 0.26693; 1000 Genomes Project 30x 0.30840; 1000 Genomes Project 0.31190.
gnomAD v4.1: 483,560 of 1,613,072 alleles (30%); highest among the groups gnomAD compares: South Asian, 41%; 74,532 homozygotes.

Submissions (6):

Labcorp Genetics (formerly Invitae), Labcorp
Classification: Benign. Last evaluated: 2026-02-04. Review status: criteria provided, single submitter. Criteria: Invitae Variant Classification Sherloc (09022015). Collection method: clinical testing. Allele origin: germline.

Blueprint Genetics
Classification: Likely benign. Last evaluated: 2024-11-28. Review status: criteria provided, single submitter. Criteria: ACMG Guidelines, 2015. Collection method: clinical testing. Allele origin: germline.

PreventionGenetics, part of Exact Sciences
Classification: Benign. Last evaluated: 2016-02-23. Review status: criteria provided, single submitter. Criteria: ACMG Guidelines, 2015. Collection method: clinical testing. Allele origin: germline.

GeneDx
Classification: Benign. Last evaluated: 2015-12-02. Review status: criteria provided, single submitter. Criteria: GeneDx Variant Classification (06012015). Collection method: clinical testing. Allele origin: germline. Affected: yes.
Comment: This variant is considered likely benign or benign based on one or more of the following criteria: it is a conservative change, it occurs at a poorly conserved position in the protein, it is predicted to be benign by multiple in silico algorithms, and/or has population frequency not consistent with disease.

Breakthrough Genomics
Classification: Benign. Review status: criteria provided, single submitter. Criteria: ACMG Guidelines, 2015. Collection method: not provided. Allele origin: germline. Inheritance: Autosomal recessive inheritance. Affected: yes.

Mayo Clinic Laboratories, Mayo Clinic
Classification: Benign. Last evaluated: 2016-02-19. Review status: no assertion criteria provided. Collection method: clinical testing. Allele origin: unknown. Not counted in ClinVar's aggregate classification.

NM_052865.4(MGME1):c.846T>C (p.Asp282=)

Gene: MGME1 (mitochondrial genome maintenance exonuclease 1; plus strand). Cytogenetic location: 20p11.23.
Variant type: single nucleotide variant.
Coding change: c.846T>C on transcript NM_052865.4 (MANE Select); coding-DNA position 846, T replaced by C.
Protein change: p.Asp282=; no amino-acid change (aspartic acid 282 retained).
Molecular consequence: synonymous variant. On other transcripts: intron variant (1).
Genome position (GRCh38, 1-based): chr20:17,988,280, T>C. VCF-style: chr20-17988280-T-C. GRCh37 (hg19) VCF-style: chr20-17968923-T-C.
Other names: c.891T>C, p.Asp297= (NM_001310338.2); c.606T>C, p.Asp202= (NM_001363738.2); c.512-1659T>C (NM_001310339.2).
Identifiers: ClinVar variation 262249 (VCV000262249.14), dbSNP rs28455091, ClinGen allele CA9775049.